The following is an entry in ClinVar:

ClinVar aggregate classification (germline): Uncertain significance. Review status: criteria provided, multiple submitters, no conflicts (2 of 4 stars). 2 submissions from 2 submitters: Uncertain significance (2). Last evaluated 2025-08-12.

Submissions (2):

Labcorp Genetics (formerly Invitae), Labcorp
Classification: Uncertain significance. Last evaluated: 2025-08-12. Review status: criteria provided, single submitter. Criteria: Invitae Variant Classification Sherloc (09022015). Collection method: clinical testing. Allele origin: germline.
Comment: This sequence change creates a premature translational stop signal (p.Trp416*) in the SAMD9L gene. While this is not anticipated to result in nonsense mediated decay, it is expected to disrupt the last 1169 amino acid(s) of the SAMD9L protein. This variant is not present in population databases (gnomAD no frequency). This variant has not been reported in the literature in individuals affected with SAMD9L-related conditions. ClinVar contains an entry for this variant (Variation ID: 2000437). Experimental studies and prediction algorithms are not available or were not evaluated, and the functional significance of this variant is currently unknown. In summary, the available evidence is currently insufficient to determine the role of this variant in disease. Therefore, it has been classified as a Variant of Uncertain Significance.

Breakthrough Genomics
Classification: Uncertain significance. Review status: criteria provided, single submitter. Criteria: ACMG Guidelines, 2015. Collection method: not provided. Allele origin: germline. Inheritance: Autosomal recessive inheritance. Affected: yes.

NM_152703.5(SAMD9L):c.1248G>A (p.Trp416Ter)

Gene: SAMD9L (sterile alpha motif domain containing 9 like; minus strand). Cytogenetic location: 7q21.2.
Variant type: single nucleotide variant.
Coding change: c.1248G>A on transcript NM_152703.5 (MANE Select); coding-DNA position 1248, G replaced by A.
Protein change: p.Trp416Ter; replaces tryptophan 416 with a stop codon.
Molecular consequence: nonsense.
Genome position (GRCh38, 1-based): chr7:93,134,724, C>T on the plus strand (G>A on the coding strand, the complement: SAMD9L is on the minus strand). VCF-style: chr7-93134724-C-T. GRCh37 (hg19) VCF-style: chr7-92764037-C-T.
Other names: c.1248G>A, p.Trp416Ter (NM_001303496.3, NM_001303497.3, NM_001303498.3 and 5 more transcripts); short protein forms W416*.
Identifiers: ClinVar variation 2000437 (VCV002000437.5), dbSNP rs762039550, ClinGen allele CA368197986.